The following is an entry in ClinVar:

NM_198578.4(LRRK2):c.3983A>T (p.Lys1328Met)

Gene: LRRK2 (leucine rich repeat kinase 2; plus strand). Cytogenetic location: 12q12.
Variant type: single nucleotide variant.
Coding change: c.3983A>T on transcript NM_198578.4 (MANE Select); coding-DNA position 3983, A replaced by T.
Protein change: p.Lys1328Met; replaces lysine 1328 with methionine.
Molecular consequence: missense variant.
Genome position (GRCh38, 1-based): chr12:40,308,490, A>T. VCF-style: chr12-40308490-A-T. GRCh37 (hg19) VCF-style: chr12-40702292-A-T.
Other names: short protein forms K1328M.
Identifiers: ClinVar variation 3291854 (VCV003291854.1).

ClinVar aggregate classification (germline): Uncertain significance (1 of 4 stars; one submission).

Conditions:
Inborn genetic diseases. Identifiers: MedGen C0950123, MeSH D030342.

Submission:

Ambry Genetics
Classification: Uncertain significance for Inborn genetic diseases. Last evaluated: 2024-04-17. Review status: criteria provided, single submitter. Criteria: Ambry Variant Classification Scheme 2023. Collection method: clinical testing. Allele origin: germline.
Comment: The p.K1328M variant (also known as c.3983A>T), located in coding exon 29 of the LRRK2 gene, results from an A to T substitution at nucleotide position 3983. The lysine at codon 1328 is replaced by methionine, an amino acid with similar properties. This amino acid position is conserved. In addition, the in silico prediction for this alteration is inconclusive. Based on the available evidence, the clinical significance of this variant remains unclear.